The following is an entry in ClinVar:

ClinVar aggregate classification (germline): Uncertain significance (1 of 4 stars; one submission).

gnomAD v4.1: 3 of 1,614,124 alleles (0.00019%); highest among the groups gnomAD compares: Non-Finnish European, 0.00025%; no homozygotes.

Submission:

GeneDx
Classification: Uncertain significance. Last evaluated: 2024-07-18. Review status: criteria provided, single submitter. Criteria: GeneDx Variant Classification Process June 2021. Collection method: clinical testing. Allele origin: germline. Affected: yes.
Comment: Not observed at significant frequency in large population cohorts (gnomAD); In silico analysis supports that this missense variant has a deleterious effect on protein structure/function; Has not been previously published as pathogenic or benign to our knowledge

NM_002249.6(KCNN3):c.1484T>C (p.Leu495Pro)

Gene: KCNN3 (potassium calcium-activated channel subfamily N member 3; minus strand). Cytogenetic location: 1q21.3.
Variant type: single nucleotide variant.
Coding change: c.1484T>C on transcript NM_002249.6 (MANE Select); coding-DNA position 1484, T replaced by C.
Protein change: p.Leu495Pro; replaces leucine 495 with proline.
Molecular consequence: missense variant.
Genome position (GRCh38, 1-based): chr1:154,733,109, A>G on the plus strand (T>C on the coding strand, the complement: KCNN3 is on the minus strand). VCF-style: chr1-154733109-A-G. GRCh37 (hg19) VCF-style: chr1-154705585-A-G.
Other names: c.1529T>C, p.Leu510Pro (NM_001204087.2); c.590T>C, p.Leu197Pro (NM_001365837.1); c.545T>C, p.Leu182Pro (NM_001365838.1); c.569T>C, p.Leu190Pro (NM_170782.3); short protein forms L182P, L190P, L197P, L495P, L510P.
Identifiers: ClinVar variation 3573516 (VCV003573516.1).